The following is an entry in ClinVar:

NM_001701.4(BAAT):c.*312A>G

Gene: BAAT (bile acid-CoA:amino acid N-acyltransferase; minus strand). Cytogenetic location: 9q31.1.
Variant type: single nucleotide variant.
Coding change: c.*312A>G on transcript NM_001701.4 (MANE Select); 312 bases downstream of the stop codon, A replaced by G.
Molecular consequence: 3 prime UTR variant.
Genome position (GRCh38, 1-based): chr9:101,362,116, T>C on the plus strand (A>G on the coding strand, the complement: BAAT is on the minus strand). VCF-style: chr9-101362116-T-C. GRCh37 (hg19) VCF-style: chr9-104124398-T-C.
Other names: c.*312A>G (NM_001127610.2, NM_001374715.1).
Identifiers: ClinVar variation 913486 (VCV000913486.8), dbSNP rs41281025, ClinGen allele CA196948321.
Genomic context (GRCh38, chr9:101,362,116, plus strand): 5'-TCTTACTATATAGTGTTTTCTGACATGGTATTTGGTTTTATATCTGTTACTTTGGTGCTA[T>C]TCTTGTTTGCCTTTTCTTATTTTTGCCAGTGTACTATACCTCAGTCCTATTTAGAAGACC-3'

ClinVar aggregate classification (germline): Benign. Review status: criteria provided, multiple submitters, no conflicts (2 of 4 stars). 3 submissions from 3 submitters: Benign (3). Last evaluated 2021-06-21.

Conditions:
Hypercholanemia, familial 1 (FHCA1). Identifiers: Orphanet 238475, MedGen C5542604, MONDO:0031446, OMIM 607748.

Allele frequency attached by ClinVar (database versions not stated): 1000 Genomes Project 0.00579; 1000 Genomes Project 30x 0.00625; TOPMed 0.00980; gnomAD 0.01361 and 0.01409; gnomAD exomes 0.01462.

Submissions (3):

GeneDx
Classification: Benign. Last evaluated: 2021-06-21. Review status: criteria provided, single submitter. Criteria: GeneDx Variant Classification Process June 2021. Collection method: clinical testing. Allele origin: germline. Affected: yes.

Illumina Laboratory Services, Illumina
Classification: Benign for Hypercholanemia, familial 1. Last evaluated: 2018-01-13. Review status: criteria provided, single submitter. Criteria: ICSL Variant Classification Criteria 13 December 2019. Collection method: clinical testing. Allele origin: germline.
Comment: This variant was observed in the ICSL laboratory as part of a predisposition screen in an ostensibly healthy population. It had not been previously curated by ICSL or reported in the Human Gene Mutation Database (HGMD: prior to June 1st, 2018), and was therefore a candidate for classification through an automated scoring system. Utilizing variant allele frequency, disease prevalence and penetrance estimates, and inheritance mode, an automated score was calculated to assess if this variant is too frequent to cause the disease. Based on the score and internal cut-off values, a variant classified as benign is not then subjected to further curation. The score for this variant resulted in a classification of benign for this disease.

Breakthrough Genomics
Classification: Benign. Review status: criteria provided, single submitter. Criteria: ACMG Guidelines, 2015. Collection method: not provided. Allele origin: germline. Inheritance: Autosomal recessive inheritance. Affected: yes.